The following is an entry in ClinVar:

NM_198880.3(QRICH1):c.1745A>C (p.His582Pro)

Gene: QRICH1 (glutamine rich 1; minus strand). Cytogenetic location: 3p21.31.
Variant type: single nucleotide variant.
Coding change: c.1745A>C on transcript NM_198880.3 (MANE Select); coding-DNA position 1745, A replaced by C.
Protein change: p.His582Pro; replaces histidine 582 with proline.
Molecular consequence: missense variant.
Genome position (GRCh38, 1-based): chr3:49,044,431, T>G on the plus strand (A>C on the coding strand, the complement: QRICH1 is on the minus strand). VCF-style: chr3-49044431-T-G. GRCh37 (hg19) VCF-style: chr3-49081864-T-G.
Other names: c.1745A>C, p.His582Pro (NM_001320580.2, NM_001320581.2, NM_001320582.2 and 4 more transcripts); short protein forms H582P.
Identifiers: ClinVar variation 3770072 (VCV003770072.3).
Genomic context (GRCh38, chr3:49,044,431, plus strand): 5'-GGACAAGGGAGACTCTTACCAAGTGGAGTGACCCGGGGCTGAACATCCTTCAGAACTTCA[T>G]GTAGCCACTCCGTGAACCGAACATAATAAAGATCGGAGAAAATGTCATCTACCCTTCCAT-3'
Protein context (NP_942581.1, residues 572-592): LYYVRFTEWL[His582Pro]EVLKDVQPRV

ClinVar aggregate classification (germline): Uncertain significance. Review status: criteria provided, multiple submitters, no conflicts (2 of 4 stars). 2 submissions from 2 submitters: Uncertain significance (2). Last evaluated 2025-11-24.

Conditions:
QRICH1-related disorder. Also called: QRICH1-related condition.

Submissions (2):

GeneDx
Classification: Uncertain significance. Last evaluated: 2025-11-24. Review status: criteria provided, single submitter. Criteria: GeneDx Variant Classification Process June 2021. Collection method: clinical testing. Allele origin: germline.
Comment: Not observed at significant frequency in large population cohorts (gnomAD); In silico analysis supports that this missense variant has a deleterious effect on protein structure/function; Has not been previously published as pathogenic or benign to our knowledge

PreventionGenetics, part of Exact Sciences
Classification: Uncertain significance for QRICH1-related condition. Last evaluated: 2025-11-11. Review status: criteria provided, single submitter. Criteria: ACMG Guidelines, 2015. Collection method: clinical testing. Allele origin: germline.
Comment: The QRICH1 c.1745A>C variant is predicted to result in the amino acid substitution p.His582Pro. To our knowledge, this variant has not been reported in the literature or in a large population database (gnomAD), indicating this variant is rare. At this time, the clinical significance of this variant is uncertain due to the absence of conclusive functional and genetic evidence.